The following is an entry in ClinVar:

NM_001126108.2(SLC12A3):c.2857-17G>A

Gene: SLC12A3 (solute carrier family 12 member 3; plus strand). Cytogenetic location: 16q13.
Variant type: single nucleotide variant.
Coding change: c.2857-17G>A on transcript NM_001126108.2 (MANE Select); 17 bases into the intron before coding-DNA position 2857, G replaced by A.
Molecular consequence: intron variant.
Genome position (GRCh38, 1-based): chr16:56,904,378, G>A. VCF-style: chr16-56904378-G-A. GRCh37 (hg19) VCF-style: chr16-56938290-G-A.
Other names: c.2884-17G>A (NM_000339.3); c.2881-17G>A (NM_001126107.2).
Identifiers: ClinVar variation 255890 (VCV000255890.20), dbSNP rs2289116, ClinGen allele CA8070126.

ClinVar aggregate classification (germline): Benign. Review status: criteria provided, multiple submitters, no conflicts (2 of 4 stars). 9 submissions from 9 submitters: Benign (7). 2 of the submissions do not count toward it. Last evaluated 2026-03-23.

Conditions:
Familial hypokalemia-hypomagnesemia (GTLMNS). Also called: gitelman syndrome; HYPOMAGNESEMIA-HYPOKALEMIA, PRIMARY RENOTUBULAR, WITH HYPOCALCIURIA; POTASSIUM AND MAGNESIUM DEPLETION. Identifiers: Orphanet 358, MedGen C0268450, MONDO:0009904, OMIM 263800.

Allele frequency attached by ClinVar (database versions not stated): ExAC 0.11919; gnomAD exomes 0.12161; 1000 Genomes Project 0.12959; ESP Exome Variant Server 0.13173; 1000 Genomes Project 30x 0.13273; gnomAD 0.13500 and 0.13711; TOPMed 0.14151.
gnomAD v4.1: 183,281 of 1,611,780 alleles (11%); highest among the groups gnomAD compares: African/African-American, 19%; 11,073 homozygotes.

Submissions (9):

Women's Health and Genetics/Laboratory Corporation of America, LabCorp
Classification: Benign. Last evaluated: 2026-03-23. Review status: criteria provided, single submitter. Criteria: LabCorp Variant Classification Summary - May 2015. Collection method: clinical testing. Allele origin: germline.

Labcorp Genetics (formerly Invitae), Labcorp
Classification: Benign. Last evaluated: 2026-02-04. Review status: criteria provided, single submitter. Criteria: Invitae Variant Classification Sherloc (09022015). Collection method: clinical testing. Allele origin: germline.

Blueprint Genetics
Classification: Benign. Last evaluated: 2024-11-27. Review status: criteria provided, single submitter. Criteria: ACMG Guidelines, 2015. Collection method: clinical testing. Allele origin: germline.

Genome-Nilou Lab
Classification: Benign for Familial hypokalemia-hypomagnesemia. Last evaluated: 2021-07-10. Review status: criteria provided, single submitter. Criteria: ACMG Guidelines, 2015. Collection method: clinical testing. Allele origin: germline. Affected: no.

GeneDx
Classification: Benign. Last evaluated: 2019-08-06. Review status: criteria provided, single submitter. Criteria: GeneDx Variant Classification Process June 2021. Collection method: clinical testing. Allele origin: germline. Affected: yes.
Comment: This variant is associated with the following publications: (PMID: 28008009, 14578305)

Breakthrough Genomics
Classification: Benign. Review status: criteria provided, single submitter. Criteria: ACMG Guidelines, 2015. Collection method: not provided. Allele origin: germline. Inheritance: Autosomal recessive inheritance. Affected: yes.

PreventionGenetics, part of Exact Sciences
Classification: Benign. Review status: criteria provided, single submitter. Criteria: ACMG Guidelines, 2015. Collection method: clinical testing. Allele origin: germline.

Genome Diagnostics Laboratory, University Medical Center Utrecht
Classification: Benign. Review status: no assertion criteria provided. Collection method: clinical testing. Allele origin: germline. Affected: yes. Study: VKGL Data-share Consensus. Not counted in ClinVar's aggregate classification.

Joint Genome Diagnostic Labs from Nijmegen and Maastricht, Radboudumc and MUMC+
Classification: Benign. Review status: no assertion criteria provided. Collection method: clinical testing. Allele origin: germline. Affected: yes. Study: VKGL Data-share Consensus. Not counted in ClinVar's aggregate classification.